The following is an entry in ClinVar:

NM_030665.4(RAI1):c.4445G>A (p.Ser1482Asn)

Gene: RAI1 (retinoic acid induced 1; plus strand). Cytogenetic location: 17p11.2.
Variant type: single nucleotide variant.
Coding change: c.4445G>A on transcript NM_030665.4 (MANE Select); coding-DNA position 4445, G replaced by A.
Protein change: p.Ser1482Asn; replaces serine 1482 with asparagine.
Molecular consequence: missense variant.
Genome position (GRCh38, 1-based): chr17:17,797,393, G>A. VCF-style: chr17-17797393-G-A. GRCh37 (hg19) VCF-style: chr17-17700707-G-A.
Other names: short protein forms S1482N.
Identifiers: ClinVar variation 2662261 (VCV002662261.1), dbSNP rs2032301613, ClinGen allele CA398556608.

ClinVar aggregate classification (germline): Uncertain significance (1 of 4 stars; one submission).

Allele frequency attached by ClinVar (database versions not stated): gnomAD 0.00001.
gnomAD v4.1: 1 of 1,612,892 alleles (0.000062%); highest among the groups gnomAD compares: African/African-American, 0.0013%; no homozygotes.

Submission:

GeneDx
Classification: Uncertain significance. Last evaluated: 2023-04-14. Review status: criteria provided, single submitter. Criteria: GeneDx Variant Classification Process June 2021. Collection method: clinical testing. Allele origin: germline. Affected: yes.
Comment: Not observed at significant frequency in large population cohorts (gnomAD); In silico analysis supports that this missense variant does not alter protein structure/function; Has not been previously published as pathogenic or benign to our knowledge